The following is an entry in ClinVar:

NM_000057.4(BLM):c.701A>T (p.Asp234Val)

Gene: BLM (BLM RecQ like helicase; plus strand). Cytogenetic location: 15q26.1.
Variant type: single nucleotide variant.
Coding change: c.701A>T on transcript NM_000057.4 (MANE Select); coding-DNA position 701, A replaced by T.
Protein change: p.Asp234Val; replaces aspartic acid 234 with valine.
Molecular consequence: missense variant. On other transcripts: 5 prime UTR variant (1).
Genome position (GRCh38, 1-based): chr15:90,749,969, A>T. VCF-style: chr15-90749969-A-T. GRCh37 (hg19) VCF-style: chr15-91293199-A-T.
Other names: c.701A>T, p.Asp234Val (NM_001287246.2, NM_001287247.2); c.-591A>T (NM_001287248.2); short protein forms D234V.
Identifiers: ClinVar variation 1042068 (VCV001042068.9), dbSNP rs1895634297, ClinGen allele CA393841375.

ClinVar aggregate classification (germline): Uncertain significance (1 of 4 stars; one submission).

Conditions:
Bloom syndrome (BLM). Also called: Bloom-Torre-Machacek syndrome. Identifiers: Orphanet 125, MedGen C0005859, MONDO:0008876, OMIM 210900.

Submission:

Labcorp Genetics (formerly Invitae), Labcorp
Classification: Uncertain significance for Bloom syndrome. Last evaluated: 2020-08-31. Review status: criteria provided, single submitter. Criteria: Invitae Variant Classification Sherloc (09022015). Collection method: clinical testing. Allele origin: germline.
Comment: In summary, the available evidence is currently insufficient to determine the role of this variant in disease. Therefore, it has been classified as a Variant of Uncertain Significance. Algorithms developed to predict the effect of missense changes on protein structure and function (SIFT, PolyPhen-2, Align-GVGD) all suggest that this variant is likely to be tolerated, but these predictions have not been confirmed by published functional studies and their clinical significance is uncertain. This variant has not been reported in the literature in individuals with BLM-related conditions. This variant is not present in population databases (ExAC no frequency). This sequence change replaces aspartic acid with valine at codon 234 of the BLM protein (p.Asp234Val). The aspartic acid residue is weakly conserved and there is a large physicochemical difference between aspartic acid and valine.